The following is an entry in ClinVar:

ClinVar aggregate classification (germline): Uncertain significance (1 of 4 stars; one submission).

Allele frequency attached by ClinVar (database versions not stated): gnomAD exomes below 0.00001.
gnomAD v4.1: 2 of 1,207,376 alleles (0.00017%); highest among the groups gnomAD compares: South Asian, 0.0018%; no homozygotes.

Submission:

Labcorp Genetics (formerly Invitae), Labcorp
Classification: Uncertain significance. Last evaluated: 2025-01-06. Review status: criteria provided, single submitter. Criteria: Invitae Variant Classification Sherloc (09022015). Collection method: clinical testing. Allele origin: germline.
Comment: This sequence change replaces lysine, which is basic and polar, with asparagine, which is neutral and polar, at codon 162 of the MSN protein (p.Lys162Asn). The frequency data for this variant in the population databases is considered unreliable, as metrics indicate poor data quality at this position in the gnomAD database. This variant has not been reported in the literature in individuals affected with MSN-related conditions. ClinVar contains an entry for this variant (Variation ID: 2073829). An algorithm developed to predict the effect of missense changes on protein structure and function (PolyPhen-2) suggests that this variant is likely to be disruptive. In summary, the available evidence is currently insufficient to determine the role of this variant in disease. Therefore, it has been classified as a Variant of Uncertain Significance.

NM_002444.3(MSN):c.486A>T (p.Lys162Asn)

Gene: MSN (moesin; plus strand). Cytogenetic location: Xq12.
Variant type: single nucleotide variant.
Coding change: c.486A>T on transcript NM_002444.3 (MANE Select); coding-DNA position 486, A replaced by T.
Protein change: p.Lys162Asn; replaces lysine 162 with asparagine.
Molecular consequence: missense variant.
Genome position (GRCh38, 1-based): chrX:65,731,125, A>T. VCF-style: chrX-65731125-A-T. GRCh37 (hg19) VCF-style: chrX-64950987-A-T.
Other names: short protein forms K162N.
Identifiers: ClinVar variation 2073829 (VCV002073829.4), dbSNP rs1193092131, ClinGen allele CA413415881.